The following is an entry in ClinVar:

NM_020066.5(FMN2):c.3078C>T (p.Pro1026=)

Gene: FMN2 (formin 2; plus strand). Cytogenetic location: 1q43.
Variant type: single nucleotide variant.
Coding change: c.3078C>T on transcript NM_020066.5 (MANE Select); coding-DNA position 3078, C replaced by T.
Protein change: p.Pro1026=; no amino-acid change (proline 1026 retained).
Molecular consequence: synonymous variant. On other transcripts: intron variant (1).
Genome position (GRCh38, 1-based): chr1:240,207,890, C>T. VCF-style: chr1-240207890-C-T. GRCh37 (hg19) VCF-style: chr1-240371190-C-T.
Other names: c.3090C>T, p.Pro1030= (NM_001305424.2); c.1986+19628C>T (NM_001348094.2).
Identifiers: ClinVar variation 1176859 (VCV001176859.36), dbSNP rs201810089, ClinGen allele CA1477008.

ClinVar aggregate classification (germline): Likely benign. Review status: criteria provided, multiple submitters, no conflicts (2 of 4 stars). 2 submissions from 2 submitters: Likely benign (2). Last evaluated 2026-09-01.

Allele frequency attached by ClinVar (database versions not stated): ExAC 0.00002; gnomAD exomes 0.00006; ESP Exome Variant Server 0.00202; 1000 Genomes Project 0.00300.

Submissions (2):

CeGaT Center for Human Genetics Tuebingen
Classification: Likely benign. Last evaluated: 2026-09-01. Review status: criteria provided, single submitter. Criteria: CeGaT Center For Human Genetics Tuebingen Variant Classification Criteria Version 2. Collection method: clinical testing. Allele origin: germline. Affected: yes. Observed: 18 variant alleles.
Comment: FMN2: BP4, BP7

Laboratory of Genetics, Children's Clinical University Hospital Latvia
Classification: Likely benign. Last evaluated: 2025-02-16. Review status: criteria provided, single submitter. Criteria: ACMG Guidelines, 2015. Collection method: clinical testing. Allele origin: germline. Affected: yes.